The following is an entry in ClinVar:

NM_080680.3(COL11A2):c.2023C>T (p.Gln675Ter)

Gene: COL11A2 (collagen type XI alpha 2 chain; minus strand). Cytogenetic location: 6p21.32.
Variant type: single nucleotide variant.
Coding change: c.2023C>T on transcript NM_080680.3 (MANE Select); coding-DNA position 2023, C replaced by T.
Protein change: p.Gln675Ter; replaces glutamine 675 with a stop codon.
Molecular consequence: nonsense. On other transcripts: 5 prime UTR variant (1).
Genome position (GRCh38, 1-based): chr6:33,177,039, G>A on the plus strand (C>T on the coding strand, the complement: COL11A2 is on the minus strand). VCF-style: chr6-33177039-G-A. GRCh37 (hg19) VCF-style: chr6-33144816-G-A.
Other names: c.1843C>T, p.Gln615Ter (NM_001424108.1); c.1177C>T, p.Gln393Ter (NM_001424109.1); c.997C>T, p.Gln333Ter (NM_001424110.1, NM_001424111.1); c.-24C>T (NM_001424112.1); c.1702C>T, p.Gln568Ter (NM_080679.3); c.1765C>T, p.Gln589Ter (NM_080681.3); short protein forms Q333*, Q568*, Q589*, Q393*, Q615*, Q675*.
Identifiers: ClinVar variation 3677267 (VCV003677267.2).

ClinVar aggregate classification (germline): Pathogenic (1 of 4 stars; one submission).

Submission:

Labcorp Genetics (formerly Invitae), Labcorp
Classification: Pathogenic. Last evaluated: 2024-04-10. Review status: criteria provided, single submitter. Criteria: Invitae Variant Classification Sherloc (09022015). Collection method: clinical testing. Allele origin: germline.
Comment: This sequence change creates a premature translational stop signal (p.Gln675*) in the COL11A2 gene. It is expected to result in an absent or disrupted protein product. Loss-of-function variants in COL11A2 are known to be pathogenic (PMID: 10677296, 21204229). This variant is not present in population databases (gnomAD no frequency). This variant has not been reported in the literature in individuals affected with COL11A2-related conditions. For these reasons, this variant has been classified as Pathogenic.

Literature cited by the submitters: PubMed 10677296; PubMed 21204229.